The following is an entry in ClinVar:

ClinVar aggregate classification (germline): Pathogenic (1 of 4 stars; one submission).

Conditions:
Wilson disease (WND). Also called: Wilson's disease. Identifiers: Orphanet 905, MedGen C0019202, MONDO:0010200, OMIM 277900. Disease mechanism: loss of function.

Submission:

Labcorp Genetics (formerly Invitae), Labcorp
Classification: Pathogenic for Wilson disease. Last evaluated: 2024-05-04. Review status: criteria provided, single submitter. Criteria: Invitae Variant Classification Sherloc (09022015). Collection method: clinical testing. Allele origin: germline.
Comment: This sequence change creates a premature translational stop signal (p.Val100Glufs*62) in the ATP7B gene. It is expected to result in an absent or disrupted protein product. Loss-of-function variants in ATP7B are known to be pathogenic (PMID: 10441329, 16283883). This variant is not present in population databases (gnomAD no frequency). This variant has not been reported in the literature in individuals affected with ATP7B-related conditions. For these reasons, this variant has been classified as Pathogenic.

Literature cited by the submitters: PubMed 10441329; PubMed 16283883.

NM_000053.4(ATP7B):c.299_300del (p.Val100fs)

Gene: ATP7B (ATPase copper transporting beta; minus strand). Cytogenetic location: 13q14.3.
Variant type: Microsatellite.
Coding change: c.299_300del on transcript NM_000053.4 (MANE Select); coding-DNA positions 299 to 300, 2 bases deleted (TG; older notation c.299_300delTG).
Protein change: p.Val100fs; shifts the reading frame from valine 100.
Molecular consequence: frameshift variant.
Genome position (GRCh38, 1-based): chr13:51,974,920-51,974,921, CA deleted on the plus strand (TG on the coding strand, the reverse complement: ATP7B is on the minus strand); deleting any 2 consecutive bases within chr13:51,974,920-51,974,923 gives the same sequence; the c. name uses the placement nearest the transcript's 3' end. VCF-style (leftmost placement, unchanged base first): chr13-51974919-TCA-T. GRCh37 (hg19) VCF-style: chr13-52549055-TCA-T.
Other names: c.299_300del, p.Val100fs (NM_001243182.2, NM_001330578.2, NM_001330579.2 and 30 more transcripts); c.203_204del, p.Val68fs (NM_001406517.1, NM_001406518.1, NM_001406530.1 and 4 more transcripts); short protein forms V100fs, V68fs.
Identifiers: ClinVar variation 3652123 (VCV003652123.2).